The following is an entry in ClinVar:

ClinVar aggregate classification (germline): Uncertain significance (1 of 4 stars; one submission).

Allele frequency attached by ClinVar (database versions not stated): gnomAD exomes below 0.00001 and 0.00001.
gnomAD v4.1: 3 of 1,614,252 alleles (0.00019%); highest among the groups gnomAD compares: African/African-American, 0.0013%; no homozygotes.

Submission:

Labcorp Genetics (formerly Invitae), Labcorp
Classification: Uncertain significance. Last evaluated: 2022-02-03. Review status: criteria provided, single submitter. Criteria: Invitae Variant Classification Sherloc (09022015). Collection method: clinical testing. Allele origin: germline.
Comment: This variant has not been reported in the literature in individuals affected with TNFAIP3-related conditions. This variant is present in population databases (no rsID available, gnomAD 0.007%). This sequence change replaces proline, which is neutral and non-polar, with leucine, which is neutral and non-polar, at codon 375 of the TNFAIP3 protein (p.Pro375Leu). In summary, the available evidence is currently insufficient to determine the role of this variant in disease. Therefore, it has been classified as a Variant of Uncertain Significance. Algorithms developed to predict the effect of missense changes on protein structure and function (SIFT, PolyPhen-2, Align-GVGD) all suggest that this variant is likely to be tolerated. ClinVar contains an entry for this variant (Variation ID: 1063329).

NM_001270508.2(TNFAIP3):c.1124C>T (p.Pro375Leu)

Gene: TNFAIP3 (TNF alpha induced protein 3; plus strand). Cytogenetic location: 6q23.3.
Variant type: single nucleotide variant.
Coding change: c.1124C>T on transcript NM_001270508.2 (MANE Select); coding-DNA position 1124, C replaced by T.
Protein change: p.Pro375Leu; replaces proline 375 with leucine.
Molecular consequence: missense variant.
Genome position (GRCh38, 1-based): chr6:137,878,569, C>T. VCF-style: chr6-137878569-C-T. GRCh37 (hg19) VCF-style: chr6-138199706-C-T.
Other names: c.1124C>T, p.Pro375Leu (NM_001270507.2, NM_006290.4); short protein forms P375L.
Identifiers: ClinVar variation 1063329 (VCV001063329.9), dbSNP rs1401875569, ClinGen allele CA365788677.
Genomic context (GRCh38, chr6:137,878,569, plus strand): 5'-AATGGCAGGAAAACAGCGAGCAGGGGAGGAGAGAGGGGCACGCCCAGAATCCCATGGAAC[C>T]TTCCGTGCCCCAGCTTTCTCTCATGGATGTAAAATGTGAAACGCCCAACTGCCCCTTCTT-3'
Protein context (NP_001257437.1, residues 365-385): REGHAQNPME[Pro375Leu]SVPQLSLMDV